The following is an entry in ClinVar:

ClinVar aggregate classification (germline): Uncertain significance (1 of 4 stars; one submission).

Conditions:
Hereditary cancer-predisposing syndrome. Also called: Neoplastic Syndromes, Hereditary; Tumor predisposition; Hereditary Cancer Syndrome; Hereditary neoplastic syndrome. Identifiers: Orphanet 140162, MedGen C0027672, MeSH D009386, MONDO:0015356.

Submission:

Color Diagnostics, LLC DBA Color Health
Classification: Uncertain significance for Hereditary cancer-predisposing syndrome. Last evaluated: 2024-06-12. Review status: criteria provided, single submitter. Criteria: ACMG Guidelines, 2015. Collection method: clinical testing. Allele origin: germline.
Comment: This missense variant replaces proline with alanine at codon 795 of the CDH1 protein. To our knowledge, functional studies have not been reported for this variant. This variant has not been reported in individuals affected with CDH1-related disorders in the literature. This variant has not been identified in the general population by the Genome Aggregation Database (gnomAD). The available evidence is insufficient to determine the role of this variant in disease conclusively. Therefore, this variant is classified as a Variant of Uncertain Significance.

NM_004360.5(CDH1):c.2383C>G (p.Pro795Ala)

Gene: CDH1 (cadherin 1; plus strand). Cytogenetic location: 16q22.1.
Variant type: single nucleotide variant.
Coding change: c.2383C>G on transcript NM_004360.5 (MANE Select); coding-DNA position 2383, C replaced by G.
Protein change: p.Pro795Ala; replaces proline 795 with alanine.
Molecular consequence: missense variant.
Genome position (GRCh38, 1-based): chr16:68,829,741, C>G. VCF-style: chr16-68829741-C-G. GRCh37 (hg19) VCF-style: chr16-68863644-C-G.
Other names: c.2200C>G, p.Pro734Ala (NM_001317184.2); c.835C>G, p.Pro279Ala (NM_001317185.2); c.418C>G, p.Pro140Ala (NM_001317186.2); short protein forms P140A, P279A, P734A, P795A.
Identifiers: ClinVar variation 3893967 (VCV003893967.1).